The following is an entry in ClinVar:

ClinVar aggregate classification (germline): Uncertain significance (1 of 4 stars; one submission).

Submission:

Labcorp Genetics (formerly Invitae), Labcorp
Classification: Uncertain significance. Last evaluated: 2025-10-26. Review status: criteria provided, single submitter. Criteria: Invitae Variant Classification Sherloc (09022015). Collection method: clinical testing. Allele origin: germline.
Comment: This sequence change replaces leucine, which is neutral and non-polar, with phenylalanine, which is neutral and non-polar, at codon 106 of the GUCY2C protein (p.Leu106Phe). This variant is present in population databases (rs376896213, gnomAD 0.004%). This variant has not been reported in the literature in individuals affected with GUCY2C-related conditions. ClinVar contains an entry for this variant (Variation ID: 3603954). Invitae Evidence Modeling of protein sequence and biophysical properties (such as structural, functional, and spatial information, amino acid conservation, physicochemical variation, residue mobility, and thermodynamic stability) indicates that this missense variant is not expected to disrupt GUCY2C protein function with a negative predictive value of 80%. In summary, the available evidence is currently insufficient to determine the role of this variant in disease. Therefore, it has been classified as a Variant of Uncertain Significance.

NM_004963.4(GUCY2C):c.316C>T (p.Leu106Phe)

Genes: GUCY2C (guanylate cyclase 2C; minus strand), GUCY2C-AS1 (GUCY2C antisense RNA 1; plus strand). Cytogenetic location: 12p12.3.
Variant type: single nucleotide variant.
Coding change: c.316C>T on transcript NM_004963.4 (MANE Select); coding-DNA position 316, C replaced by T.
Protein change: p.Leu106Phe; replaces leucine 106 with phenylalanine.
Molecular consequence: missense variant.
Genome position (GRCh38, 1-based): chr12:14,687,965, G>A on the plus strand (C>T on the coding strand, the complement: GUCY2C is on the minus strand). VCF-style: chr12-14687965-G-A. GRCh37 (hg19) VCF-style: chr12-14840899-G-A.
Other names: short protein forms L106F.
Identifiers: ClinVar variation 3603954 (VCV003603954.2).